The following is an entry in ClinVar:

ClinVar aggregate classification (germline): Uncertain significance. Review status: criteria provided, multiple submitters, no conflicts (2 of 4 stars). 2 submissions from 2 submitters: Uncertain significance (2). Last evaluated 2022-08-09.

Conditions:
Hydrocephalus, nonsyndromic, autosomal recessive 2. Also called: Hydrocephalus, congenital, 2, with or without brain or eye anomalies. Identifiers: Orphanet 2185, MedGen C3554691, MONDO:0014085, OMIM 615219.

Allele frequency attached by ClinVar (database versions not stated): gnomAD 0.00001; TOPMed 0.00001.
gnomAD v4.1: 2 of 1,612,308 alleles (0.00012%); highest among the groups gnomAD compares: Non-Finnish European, 0.00017%; no homozygotes.

Submissions (2):

Labcorp Genetics (formerly Invitae), Labcorp
Classification: Uncertain significance. Last evaluated: 2022-08-09. Review status: criteria provided, single submitter. Criteria: Invitae Variant Classification Sherloc (09022015). Collection method: clinical testing. Allele origin: germline.
Comment: This sequence change replaces methionine, which is neutral and non-polar, with arginine, which is basic and polar, at codon 464 of the MPDZ protein (p.Met464Arg). This variant is not present in population databases (gnomAD no frequency). This variant has not been reported in the literature in individuals affected with MPDZ-related conditions. ClinVar contains an entry for this variant (Variation ID: 1026205). Algorithms developed to predict the effect of missense changes on protein structure and function (SIFT, PolyPhen-2, Align-GVGD) all suggest that this variant is likely to be tolerated. In summary, the available evidence is currently insufficient to determine the role of this variant in disease. Therefore, it has been classified as a Variant of Uncertain Significance.

Department of Pathology and Laboratory Medicine, Sinai Health System
Classification: Uncertain significance for Hydrocephalus, nonsyndromic, autosomal recessive 2. Last evaluated: 2021-09-17. Review status: criteria provided, single submitter. Criteria: ACMG Guidelines, 2015. Collection method: research. Allele origin: germline.

NM_001378778.1(MPDZ):c.1391T>G (p.Met464Arg)

Gene: MPDZ (multiple PDZ domain crumbs cell polarity complex component; minus strand). Cytogenetic location: 9p23.
Variant type: single nucleotide variant.
Coding change: c.1391T>G on transcript NM_001378778.1 (MANE Select); coding-DNA position 1391, T replaced by G.
Protein change: p.Met464Arg; replaces methionine 464 with arginine.
Molecular consequence: missense variant.
Genome position (GRCh38, 1-based): chr9:13,205,999, A>C on the plus strand (T>G on the coding strand, the complement: MPDZ is on the minus strand). VCF-style: chr9-13205999-A-C. GRCh37 (hg19) VCF-style: chr9-13205998-A-C.
Other names: c.1391T>G, p.Met464Arg (NM_001261406.2, NM_001261407.2, NM_001330637.2 and 14 more transcripts); short protein forms M464R.
Identifiers: ClinVar variation 1026205 (VCV001026205.5), dbSNP rs938325447, ClinGen allele CA189307175.